The following is an entry in ClinVar:

NM_014141.6(CNTNAP2):c.3402G>A (p.Val1134=)

Gene: CNTNAP2 (contactin associated protein 2; plus strand). Cytogenetic location: 7q36.1.
Variant type: single nucleotide variant.
Coding change: c.3402G>A on transcript NM_014141.6 (MANE Select); coding-DNA position 3402, G replaced by A.
Protein change: p.Val1134=; no amino-acid change (valine 1134 retained).
Molecular consequence: synonymous variant.
Genome position (GRCh38, 1-based): chr7:148,267,053, G>A. VCF-style: chr7-148267053-G-A. GRCh37 (hg19) VCF-style: chr7-147964145-G-A.
Identifiers: ClinVar variation 166913 (VCV000166913.12), dbSNP rs727503877, ClinGen allele CA233787.
Genomic context (GRCh38, chr7:148,267,053, plus strand): 5'-AGACGTGCTTCTAAAAGTGTCTCTTGTTTTCCTCCTGCAGCTCGATCATTATCCTTCTGT[G>A]AGTTACCATCTGCCAAGTTCATCCGACACCCTCTTCAATTCTCCCAAGTCGCTCTTTCTG-3'
Protein context (NP_054860.1, residues 1124-1144): IFLKLDHYPS[Val1134=]SYHLPSSSDT

ClinVar aggregate classification (germline): Conflicting classifications of pathogenicity. Review status: criteria provided, conflicting classifications (1 of 4 stars). 3 submissions from 3 submitters: Uncertain significance (1); Likely benign (2). Last evaluated 2024-10-17.

Conditions:
Cortical dysplasia-focal epilepsy syndrome (PTHSL1). Also called: Pitt-Hopkins-like syndrome 1. Identifiers: Orphanet 163681, Orphanet 221150, MedGen C2750246, MONDO:0012400, OMIM 610042.

Allele frequency attached by ClinVar (database versions not stated): ExAC 0.00001; gnomAD 0.00001; gnomAD exomes 0.00001 and 0.00002; TOPMed 0.00002.
gnomAD v4.1: 28 of 1,613,988 alleles (0.0017%); highest among the groups gnomAD compares: Non-Finnish European, 0.0022%; no homozygotes.

Submissions (3):

Labcorp Genetics (formerly Invitae), Labcorp
Classification: Likely benign for Cortical dysplasia-focal epilepsy syndrome. Last evaluated: 2024-10-17. Review status: criteria provided, single submitter. Criteria: Invitae Variant Classification Sherloc (09022015). Collection method: clinical testing. Allele origin: germline.

GeneDx
Classification: Likely benign. Last evaluated: 2015-11-13. Review status: criteria provided, single submitter. Criteria: GeneDx Variant Classification (06012015). Collection method: clinical testing. Allele origin: germline. Affected: yes.
Comment: This variant is considered likely benign or benign based on one or more of the following criteria: it is a conservative change, it occurs at a poorly conserved position in the protein, it is predicted to be benign by multiple in silico algorithms, and/or has population frequency not consistent with disease.

Eurofins Ntd Llc (ga)
Classification: Uncertain significance. Last evaluated: 2014-04-04. Review status: criteria provided, single submitter. Criteria: EGL Classification Definitions 2015. Collection method: clinical testing. Allele origin: germline. Observed: 1 variant allele, 1 heterozygote.